The following is an entry in ClinVar:

ClinVar aggregate classification (germline): Likely benign (1 of 4 stars; one submission).

Allele frequency attached by ClinVar (database versions not stated): 1000 Genomes Project 0.01358; 1000 Genomes Project 30x 0.01421; TOPMed 0.02330; gnomAD 0.02378 and 0.02468.
gnomAD v4.1: 3,639 of 152,314 alleles (2.4%); highest among the groups gnomAD compares: Non-Finnish European, 3.7%; 65 homozygotes.

Submission:

GeneDx
Classification: Likely benign. Last evaluated: 2018-06-14. Review status: criteria provided, single submitter. Criteria: GeneDx Variant Classification (06012015). Collection method: clinical testing. Allele origin: germline. Affected: yes.
Comment: This variant is considered likely benign or benign based on one or more of the following criteria: it is a conservative change, it occurs at a poorly conserved position in the protein, it is predicted to be benign by multiple in silico algorithms, and/or has population frequency not consistent with disease.

NM_007078.3(LDB3):c.1978+198A>G

Gene: LDB3 (LIM domain binding 3; plus strand). Cytogenetic location: 10q23.2.
Variant type: single nucleotide variant.
Coding change: c.1978+198A>G on transcript NM_007078.3 (MANE Select); 198 bases into the intron after coding-DNA position 1978, A replaced by G.
Molecular consequence: intron variant.
Genome position (GRCh38, 1-based): chr10:86,719,045, A>G. VCF-style: chr10-86719045-A-G. GRCh37 (hg19) VCF-style: chr10-88478802-A-G.
Other names: c.1789+198A>G (NM_001368064.1, NM_001368065.1); c.1993+198A>G (NM_001171610.2); c.1837+198A>G (NM_001368066.1); c.1648+198A>G (NM_001080114.2).
Identifiers: ClinVar variation 675458 (VCV000675458.1), dbSNP rs117918530, ClinGen allele CA211210249.